The following is an entry in ClinVar:

NM_017514.5(PLXNA3):c.5370-9T>A

Gene: PLXNA3 (plexin A3; plus strand). Cytogenetic location: Xq28.
Variant type: single nucleotide variant.
Coding change: c.5370-9T>A on transcript NM_017514.5 (MANE Select); 9 bases into the intron before coding-DNA position 5370, T replaced by A.
Molecular consequence: intron variant.
Genome position (GRCh38, 1-based): chrX:154,471,479, T>A. VCF-style: chrX-154471479-T-A. GRCh37 (hg19) VCF-style: chrX-153699822-T-A.
Identifiers: ClinVar variation 4982173 (VCV004982173.1).

ClinVar aggregate classification (germline): Likely benign (1 of 4 stars; one submission).

Conditions:
PLXNA3-related disorder. Also called: PLXNA3-related condition.

gnomAD v4.1: 1 of 1,194,782 alleles (0.000084%); no homozygotes.

Submission:

PreventionGenetics, part of Exact Sciences
Classification: Likely benign for PLXNA3-related condition. Last evaluated: 2026-01-13. Review status: criteria provided, single submitter. Criteria: ACMG Guidelines, 2015. Collection method: clinical testing. Allele origin: germline.
Comment: This variant is classified as likely benign based on ACMG/AMP sequence variant interpretation guidelines (Richards et al. 2015 PMID: 25741868, with internal and published modifications).